The following is an entry in ClinVar:

NM_003172.4(SURF1):c.809_826dup (p.Glu270_Ile275dup)

Gene: SURF1 (SURF1 cytochrome c oxidase assembly factor; minus strand). Cytogenetic location: 9q34.2.
Variant type: Duplication.
Coding change: c.809_826dup on transcript NM_003172.4 (MANE Select); coding-DNA positions 809 to 826, 18 bases duplicated (AGCATCTGCAGTACATCG).
Protein change: p.Glu270_Ile275dup.
Molecular consequence: inframe insertion.
Genome position (GRCh38, 1-based): chr9:133,352,068-133,352,085, CGATGTACTGCAGATGCT duplicated on the plus strand (AGCATCTGCAGTACATCG on the coding strand, the reverse complement: SURF1 is on the minus strand); duplicating any 18 consecutive bases within chr9:133,352,068-133,352,087 gives the same sequence; the c. name uses the placement nearest the transcript's 3' end. VCF-style (leftmost placement, unchanged base first): chr9-133352067-A-ACGATGTACTGCAGATGCT. GRCh37 (hg19) VCF-style: chr9-136218922-A-ACGATGTACTGCAGATGCT.
Other names: c.809_826dupAGCATCTGCAGTACATCG (NM_003172.3); c.482_499dup, p.Glu161_Ile166dup (NM_001280787.1); c.809_826dup18 (NM_003172.4).
Identifiers: ClinVar variation 520390 (VCV000520390.8), dbSNP rs782161777, ClinGen allele CA200832017.

ClinVar aggregate classification (germline): Pathogenic/Likely pathogenic. Review status: criteria provided, multiple submitters, no conflicts (2 of 4 stars). 3 submissions from 3 submitters: Pathogenic (1); Likely pathogenic (1). 1 of the submissions does not count toward it. Last evaluated 2025-09-02.

Conditions:
Leigh syndrome (NULS). Also called: Leigh's syndrome; Leigh Disease; Subacute necrotizing encephalopathy; Necrotizing encephalopathy infantile subacute of Leigh; LEIGH SYNDROME, NUCLEAR; Leigh's necrotizing encephalopathy. Identifiers: Orphanet 506, MedGen C2931891, MONDO:0009723, OMIM 256000.

Submissions (3):

Labcorp Genetics (formerly Invitae), Labcorp
Classification: Likely pathogenic for Leigh syndrome. Last evaluated: 2025-09-02. Review status: criteria provided, single submitter. Criteria: Invitae Variant Classification Sherloc (09022015). Collection method: clinical testing. Allele origin: germline.
Comment: This variant, c.809_826dup, results in the insertion of 6 amino acid(s) of the SURF1 protein (p.Glu270_Ile275dup), but otherwise preserves the integrity of the reading frame. This variant is present in population databases (rs782161777, gnomAD 0.01%). This variant has been observed in individual(s) with clinical features of SURF1-related conditions (PMID: 28429146, 29933018, 38397177). In at least one individual the data is consistent with being in trans (on the opposite chromosome) from a pathogenic variant. This variant is also known as c.826_827ins18, p.V276_T277ins6, p.V276fs. ClinVar contains an entry for this variant (Variation ID: 520390). Algorithms developed to predict the effect of variants on gene product structure and function are not available or were not evaluated for this variant. Experimental studies have shown that this variant affects SURF1 function (PMID: 29933018). In summary, the currently available evidence indicates that the variant is pathogenic, but additional data are needed to prove that conclusively. Therefore, this variant has been classified as Likely Pathogenic.

Women's Health and Genetics/Laboratory Corporation of America, LabCorp
Classification: Pathogenic for Leigh syndrome. Last evaluated: 2024-08-20. Review status: criteria provided, single submitter. Criteria: LabCorp Variant Classification Summary - May 2015. Collection method: clinical testing. Allele origin: germline.
Comment: Variant summary: SURF1 c.809_826dup18 (p.Glu270_Ile275dup) results in an in-frame duplication that is predicted to duplicate 6 amino acids into the encoded protein. The variant allele was found at a frequency of 1.2e-05 in 246342 control chromosomes. c.809_826dup18 has been reported in the literature in compound heterozygous individuals affected with Leigh Syndrome (Ogawa_2017, Li_2018). It was also reported in an affected individual who was homozygous for a different SURF1 variant (Gilhooley_2024). These data indicate that the variant may be associated with disease. One publication shows that the variant is unable to rescue Complex IV formation in a SURF1 deficient cell assay when compared to wild-type SURF1 (Li_2018). The following publications have been ascertained in the context of this evaluation (PMID: 29933018, 28429146, 38397177, 31967322). ClinVar contains an entry for this variant (Variation ID: 520390). Based on the evidence outlined above, the variant was classified as pathogenic.

Laboratory of Metabolic Disorders, Peking University First Hospital
Classification: Pathogenic for Leigh syndrome, due to COX IV deficiency. Last evaluated: 2018-04-05. Review status: no assertion criteria provided. Collection method: research. Allele origin: inherited. Affected: yes. Not counted in ClinVar's aggregate classification.

Literature cited by the submitters: PubMed 28429146 (cited by Labcorp Genetics (formerly Invitae), Labcorp and Women's Health and Genetics/Laboratory Corporation of America, LabCorp); PubMed 29933018 (cited by Labcorp Genetics (formerly Invitae), Labcorp and Women's Health and Genetics/Laboratory Corporation of America, LabCorp); PubMed 38397177 (cited by Labcorp Genetics (formerly Invitae), Labcorp and Women's Health and Genetics/Laboratory Corporation of America, LabCorp); PubMed 31967322 (cited by Women's Health and Genetics/Laboratory Corporation of America, LabCorp).